The following is an entry in ClinVar:

ClinVar aggregate classification (germline): Likely benign (0 of 4 stars; one submission).

Conditions:
ZNF292-related disorder. Also called: ZNF292-related condition.

gnomAD v4.1: 48 of 1,613,570 alleles (0.003%); highest among the groups gnomAD compares: South Asian, 0.051%; no homozygotes.

Submission:

PreventionGenetics, part of Exact Sciences
Classification: Likely benign for ZNF292-related condition. Last evaluated: 2024-03-22. Review status: no assertion criteria provided. Collection method: clinical testing. Allele origin: germline.
Comment: This variant is classified as likely benign based on ACMG/AMP sequence variant interpretation guidelines (Richards et al. 2015 PMID: 25741868, with internal and published modifications).

NM_015021.3(ZNF292):c.6431C>A (p.Pro2144His)

Gene: ZNF292 (zinc finger protein 292; plus strand). Cytogenetic location: 6q14.3.
Variant type: single nucleotide variant.
Coding change: c.6431C>A on transcript NM_015021.3 (MANE Select); coding-DNA position 6431, C replaced by A.
Protein change: p.Pro2144His; replaces proline 2144 with histidine.
Molecular consequence: missense variant.
Genome position (GRCh38, 1-based): chr6:87,260,060, C>A. VCF-style: chr6-87260060-C-A. GRCh37 (hg19) VCF-style: chr6-87969778-C-A.
Other names: c.6011C>A, p.Pro2004His (NM_001351444.2); short protein forms P2004H, P2144H.
Identifiers: ClinVar variation 3351241 (VCV003351241.1).